The following is an entry in ClinVar:

NM_001267550.2(TTN):c.18G>A (p.Pro6=)

Gene: TTN (titin; minus strand). Cytogenetic location: 2q31.2.
Variant type: single nucleotide variant.
Coding change: c.18G>A on transcript NM_001267550.2 (MANE Select); coding-DNA position 18, G replaced by A.
Protein change: p.Pro6=; no amino-acid change (proline 6 retained).
Molecular consequence: synonymous variant.
Genome position (GRCh38, 1-based): chr2:178,804,625, C>T on the plus strand (G>A on the coding strand, the complement: TTN is on the minus strand). VCF-style: chr2-178804625-C-T. GRCh37 (hg19) VCF-style: chr2-179669352-C-T.
Other names: c.18G>A, p.Pro6= (NM_001256850.1, NM_003319.4, NM_133378.4 and 3 more transcripts).
Identifiers: ClinVar variation 1151924 (VCV001151924.10), dbSNP rs755302800, ClinGen allele CA2006455.

ClinVar aggregate classification (germline): Likely benign. Review status: criteria provided, multiple submitters, no conflicts (2 of 4 stars). 3 submissions from 3 submitters: Likely benign (2). 1 of the submissions does not count toward it. Last evaluated 2025-12-13.

Conditions:
TTN-related disorder. Also called: TTN-related condition; TTN-related disease; TTN-related disorders.
Cardiovascular phenotype. Identifiers: MedGen CN230736.
Dilated cardiomyopathy 1G (CMD1G). Identifiers: Orphanet 154, MedGen C1858763, MONDO:0011400, OMIM 604145.
Autosomal recessive limb-girdle muscular dystrophy type 2J (LGMDR10). Also called: Limb-girdle muscular dystrophy, type 2J; MUSCULAR DYSTROPHY, LIMB-GIRDLE, AUTOSOMAL RECESSIVE 10. Identifiers: Orphanet 140922, MedGen C1837342, MONDO:0012127, OMIM 608807.

Allele frequency attached by ClinVar (database versions not stated): gnomAD 0.00001; TOPMed 0.00001; gnomAD exomes 0.00003.
gnomAD v4.1: 42 of 1,613,744 alleles (0.0026%); highest among the groups gnomAD compares: South Asian, 0.0033%; no homozygotes.

Submissions (3):

Labcorp Genetics (formerly Invitae), Labcorp
Classification: Likely benign for Dilated cardiomyopathy 1G; Autosomal recessive limb-girdle muscular dystrophy type 2J. Last evaluated: 2025-12-13. Review status: criteria provided, single submitter. Criteria: Invitae Variant Classification Sherloc (09022015). Collection method: clinical testing. Allele origin: germline.

Ambry Genetics
Classification: Likely benign for Cardiovascular phenotype. Last evaluated: 2024-02-26. Review status: criteria provided, single submitter. Criteria: Ambry Variant Classification Scheme 2023. Collection method: clinical testing. Allele origin: germline.

PreventionGenetics, part of Exact Sciences
Classification: Likely benign for TTN-related condition. Last evaluated: 2022-07-28. Review status: no assertion criteria provided. Collection method: clinical testing. Allele origin: germline. Not counted in ClinVar's aggregate classification.
Comment: This variant is classified as likely benign based on ACMG/AMP sequence variant interpretation guidelines (Richards et al. 2015 PMID: 25741868, with internal and published modifications).